The following is an entry in ClinVar:

ClinVar aggregate classification (germline): Likely benign. Review status: criteria provided, multiple submitters, no conflicts (2 of 4 stars). 2 submissions from 2 submitters: Likely benign (2). Last evaluated 2016-03-28.

Allele frequency attached by ClinVar (database versions not stated): gnomAD exomes 0.02773 and 0.02400; 1000 Genomes Project 30x 0.00968; 1000 Genomes Project 0.01058; TOPMed 0.01565; ESP Exome Variant Server 0.02131; gnomAD 0.02132 and 0.02192; ExAC 0.02441.
gnomAD v4.1: 43,525 of 1,612,970 alleles (2.7%); highest among the groups gnomAD compares: Non-Finnish European, 3%; 782 homozygotes.

Submissions (2):

Laboratory for Molecular Medicine, Mass General Brigham Personalized Medicine
Classification: Likely benign. Last evaluated: 2016-03-28. Review status: criteria provided, single submitter. Criteria: LMM Criteria. Collection method: clinical testing. Allele origin: germline.
Comment: Variant identified in a genome or exome case(s) and assessed due to predicted null impact of the variant or pathogenic assertions in the literature or databases. Disclaimer: This variant has not undergone full assessment. The following are preliminary notes: Frequency

Breakthrough Genomics
Classification: Likely benign. Review status: criteria provided, single submitter. Criteria: ACMG Guidelines, 2015. Collection method: not provided. Allele origin: germline. Inheritance: Autosomal dominant inheritance. Affected: yes.

NM_002458.3(MUC5B):c.14718T>C (p.Pro4906=)

Gene: MUC5B (mucin 5B, oligomeric mucus/gel-forming; plus strand). Cytogenetic location: 11p15.5.
Variant type: single nucleotide variant.
Coding change: c.14718T>C on transcript NM_002458.3 (MANE Select); coding-DNA position 14718, T replaced by C.
Protein change: p.Pro4906=; no amino-acid change (proline 4906 retained).
Molecular consequence: synonymous variant.
Genome position (GRCh38, 1-based): chr11:1,251,598, T>C. VCF-style: chr11-1251598-T-C. GRCh37 (hg19) VCF-style: chr11-1272828-T-C.
Identifiers: ClinVar variation 403198 (VCV000403198.5), dbSNP rs145066684, ClinGen allele CA5808808.
Genomic context (GRCh38, chr11:1,251,598, plus strand): 5'-GCCCACAGCCACTGCCTCCACGGTTCCCAGCTCGTCCACCGTGGGGACCACCCGCACCCC[T>C]GCAGTGCTCCCCAGCAGCCTGCCAACCTTCAGCGTGTCCACTGTGTCCTCCTCAGTCCTC-3'
Protein context (NP_002449.2, residues 4896-4916): SSSTVGTTRT[Pro4906=]AVLPSSLPTF